The following is an entry in ClinVar:

ClinVar aggregate classification (germline): Uncertain significance (1 of 4 stars; one submission).

Conditions:
Progressive microcephaly-seizures-cortical blindness-developmental delay syndrome. Also called: Seizures, cortical blindness, and microcephaly syndrome. Identifiers: Orphanet 477814, MedGen C5567650, MONDO:0014714, OMIM 616632.
Autosomal dominant nonsyndromic hearing loss 1. Also called: DEAFNESS, AUTOSOMAL DOMINANT 1, WITH OR WITHOUT THROMBOCYTOPENIA; KONIGSMARK SYNDROME. Identifiers: Orphanet 90635, MedGen C1852282, MONDO:0007424, OMIM 124900.

Submission:

Labcorp Genetics (formerly Invitae), Labcorp
Classification: Uncertain significance for Progressive microcephaly-seizures-cortical blindness-developmental delay syndrome; Autosomal dominant nonsyndromic hearing loss 1. Last evaluated: 2021-12-12. Review status: criteria provided, single submitter. Criteria: Invitae Variant Classification Sherloc (09022015). Collection method: clinical testing. Allele origin: germline.
Comment: This variant is not present in population databases (gnomAD no frequency). This sequence change replaces alanine, which is neutral and non-polar, with valine, which is neutral and non-polar, at codon 1078 of the DIAPH1 protein (p.Ala1078Val). This variant has not been reported in the literature in individuals affected with DIAPH1-related conditions. In summary, the available evidence is currently insufficient to determine the role of this variant in disease. Therefore, it has been classified as a Variant of Uncertain Significance. Algorithms developed to predict the effect of missense changes on protein structure and function (SIFT, PolyPhen-2, Align-GVGD) all suggest that this variant is likely to be tolerated.

NM_005219.5(DIAPH1):c.3233C>T (p.Ala1078Val)

Gene: DIAPH1 (diaphanous related formin 1; minus strand). Cytogenetic location: 5q31.3.
Variant type: single nucleotide variant.
Coding change: c.3233C>T on transcript NM_005219.5 (MANE Select); coding-DNA position 3233, C replaced by T.
Protein change: p.Ala1078Val; replaces alanine 1078 with valine.
Molecular consequence: missense variant.
Genome position (GRCh38, 1-based): chr5:141,527,613, G>A on the plus strand (C>T on the coding strand, the complement: DIAPH1 is on the minus strand). VCF-style: chr5-141527613-G-A. GRCh37 (hg19) VCF-style: chr5-140907180-G-A.
Other names: c.3206C>T, p.Ala1069Val (NM_001079812.3); c.3233C>T, p.Ala1078Val (NM_001314007.2); short protein forms A1078V, A1069V.
Identifiers: ClinVar variation 2040284 (VCV002040284.4), dbSNP rs2513621659, ClinGen allele CA361581042.
Genomic context (GRCh38, chr5:141,527,613, plus strand): 5'-CTCCTTTCAAGAGAGGATATGGTCATTTTTTCAACAAACTTGTCTTTTTCATCTGTGGCA[G>A]CTGGGAAATTCTGAACATCACGTTCCACATCAGAAATTTGTTTCTTCATCTGATCTAGGT-3'
Protein context (NP_005210.3, residues 1068-1088): DVERDVQNFP[Ala1078Val]ATDEKDKFVE